The following is an entry in ClinVar:

NM_000303.3(PMM2):c.*1032C>A

Gene: PMM2 (phosphomannomutase 2; plus strand). Cytogenetic location: 16p13.2.
Variant type: single nucleotide variant.
Coding change: c.*1032C>A on transcript NM_000303.3 (MANE Select); 1032 bases downstream of the stop codon, C replaced by A.
Molecular consequence: 3 prime UTR variant.
Genome position (GRCh38, 1-based): chr16:8,848,857, C>A. VCF-style: chr16-8848857-C-A. GRCh37 (hg19) VCF-style: chr16-8942714-C-A.
Identifiers: ClinVar variation 321256 (VCV000321256.5), dbSNP rs79686490, ClinGen allele CA10649257.

ClinVar aggregate classification (germline): Benign (1 of 4 stars; one submission).

Conditions:
PMM2-congenital disorder of glycosylation. Also called: CDG Ia; JAEKEN SYNDROME; PHOSPHOMANNOMUTASE 2 DEFICIENCY; Congenital disorder of glycosylation, type Ia; CARBOHYDRATE-DEFICIENT GLYCOPROTEIN SYNDROME, TYPE Ia; PMM2-CDG. Identifiers: Orphanet 79318, MedGen C0349653, MONDO:0008907, OMIM 212065.

Allele frequency attached by ClinVar (database versions not stated): TOPMed 0.02211; 1000 Genomes Project 0.02476; 1000 Genomes Project 30x 0.02623.

Submission:

Illumina Laboratory Services, Illumina
Classification: Benign for PMM2-congenital disorder of glycosylation. Last evaluated: 2018-01-12. Review status: criteria provided, single submitter. Criteria: ICSL Variant Classification Criteria 13 December 2019. Collection method: clinical testing. Allele origin: germline.
Comment: This variant was observed in the ICSL laboratory as part of a predisposition screen in an ostensibly healthy population. It had not been previously curated by ICSL or reported in the Human Gene Mutation Database (HGMD: prior to June 1st, 2018), and was therefore a candidate for classification through an automated scoring system. Utilizing variant allele frequency, disease prevalence and penetrance estimates, and inheritance mode, an automated score was calculated to assess if this variant is too frequent to cause the disease. Based on the score and internal cut-off values, a variant classified as benign is not then subjected to further curation. The score for this variant resulted in a classification of benign for this disease.